The following is an entry in ClinVar:

NM_198576.4(AGRN):c.1408G>A (p.Gly470Arg)

Gene: AGRN (agrin; plus strand). Cytogenetic location: 1p36.33.
Variant type: single nucleotide variant.
Coding change: c.1408G>A on transcript NM_198576.4 (MANE Select); coding-DNA position 1408, G replaced by A.
Protein change: p.Gly470Arg; replaces glycine 470 with arginine.
Molecular consequence: missense variant.
Genome position (GRCh38, 1-based): chr1:1,043,262, G>A. VCF-style: chr1-1043262-G-A. GRCh37 (hg19) VCF-style: chr1-978642-G-A.
Other names: c.1408G>A, p.Gly470Arg (NM_001305275.2); c.1093G>A, p.Gly365Arg (NM_001364727.2); short protein forms G365R, G470R.
Identifiers: ClinVar variation 2155098 (VCV002155098.2), dbSNP rs199563268, ClinGen allele CA508175.
Genomic context (GRCh38, chr1:1,043,262, plus strand): 5'-GGCTTGTGGGACCACTGAGCCCCTGTGTCCTTCCCAGACCAGGCCCCGTCCCCATGCCTC[G>A]GGGTGCAGTGTGCATTTGGGGCGACGTGTGCTGTGAAGAACGGGCAGGCAGCGTGTGAAT-3'
Protein context (NP_940978.2, residues 460-480): PCDQAPSPCL[Gly470Arg]VQCAFGATCA

ClinVar aggregate classification (germline): Uncertain significance (1 of 4 stars; one submission).

Conditions:
Congenital myasthenic syndrome 8. Also called: MYASTHENIC SYNDROME, CONGENITAL, DUE TO AGRIN DEFICIENCY; Myasthenic syndrome, congenital, 8, with pre- and postsynaptic defects. Identifiers: Orphanet 590, MedGen C3808739, MONDO:0014052, OMIM 615120.

Allele frequency attached by ClinVar (database versions not stated): TOPMed 0.00002; ExAC 0.00003; gnomAD 0.00003; 1000 Genomes Project 0.00020; 1000 Genomes Project 30x 0.00031.
gnomAD v4.1: 38 of 1,609,968 alleles (0.0024%); highest among the groups gnomAD compares: South Asian, 0.022%; no homozygotes.

Submission:

Labcorp Genetics (formerly Invitae), Labcorp
Classification: Uncertain significance for Congenital myasthenic syndrome 8. Last evaluated: 2022-02-18. Review status: criteria provided, single submitter. Criteria: Invitae Variant Classification Sherloc (09022015). Collection method: clinical testing. Allele origin: germline.
Comment: This variant is present in population databases (rs199563268, gnomAD 0.03%). In summary, the available evidence is currently insufficient to determine the role of this variant in disease. Therefore, it has been classified as a Variant of Uncertain Significance. Algorithms developed to predict the effect of sequence changes on RNA splicing suggest that this variant may create or strengthen a splice site. Algorithms developed to predict the effect of missense changes on protein structure and function are either unavailable or do not agree on the potential impact of this missense change (SIFT: "Tolerated"; PolyPhen-2: "Probably Damaging"; Align-GVGD: "Class C0"). This variant has not been reported in the literature in individuals affected with AGRN-related conditions. This sequence change replaces glycine, which is neutral and non-polar, with arginine, which is basic and polar, at codon 470 of the AGRN protein (p.Gly470Arg).